The following is an entry in ClinVar:

ClinVar aggregate classification (germline): Uncertain significance. Review status: criteria provided, multiple submitters, no conflicts (2 of 4 stars). 2 submissions from 2 submitters: Uncertain significance (2). Last evaluated 2024-04-07.

Conditions:
Hereditary cancer-predisposing syndrome. Also called: Tumor predisposition; Hereditary neoplastic syndrome; Neoplastic Syndromes, Hereditary; Hereditary Cancer Syndrome. Identifiers: Orphanet 140162, MedGen C0027672, MeSH D009386, MONDO:0015356.

gnomAD v4.1: 1 of 1,613,378 alleles (0.000062%); highest among the groups gnomAD compares: African/African-American, 0.0013%; no homozygotes.

Submissions (2):

Ambry Genetics
Classification: Uncertain significance for Hereditary cancer-predisposing syndrome. Last evaluated: 2024-04-07. Review status: criteria provided, single submitter. Criteria: Ambry Variant Classification Scheme 2023. Collection method: clinical testing. Allele origin: germline.
Comment: The p.D1011E variant (also known as c.3033C>G), located in coding exon 25 of the POLE gene, results from a C to G substitution at nucleotide position 3033. The aspartic acid at codon 1011 is replaced by glutamic acid, an amino acid with highly similar properties. This amino acid position is conserved. In addition, the in silico prediction for this alteration is inconclusive. Based on the available evidence, the clinical significance of this variant remains unclear.

Labcorp Genetics (formerly Invitae), Labcorp
Classification: Uncertain significance. Last evaluated: 2022-06-27. Review status: criteria provided, single submitter. Criteria: Invitae Variant Classification Sherloc (09022015). Collection method: clinical testing. Allele origin: germline.
Comment: This sequence change replaces aspartic acid, which is acidic and polar, with glutamic acid, which is acidic and polar, at codon 1011 of the POLE protein (p.Asp1011Glu). This variant is not present in population databases (gnomAD no frequency). This variant has not been reported in the literature in individuals affected with POLE-related conditions. ClinVar contains an entry for this variant (Variation ID: 855881). Algorithms developed to predict the effect of missense changes on protein structure and function are either unavailable or do not agree on the potential impact of this missense change (SIFT: "Deleterious"; PolyPhen-2: "Benign"; Align-GVGD: "Class C0"). In summary, the available evidence is currently insufficient to determine the role of this variant in disease. Therefore, it has been classified as a Variant of Uncertain Significance.

NM_006231.4(POLE):c.3033C>G (p.Asp1011Glu)

Gene: POLE (DNA polymerase epsilon, catalytic subunit; minus strand). Cytogenetic location: 12q24.33.
Variant type: single nucleotide variant.
Coding change: c.3033C>G on transcript NM_006231.4 (MANE Select); coding-DNA position 3033, C replaced by G.
Protein change: p.Asp1011Glu; replaces aspartic acid 1011 with glutamic acid.
Molecular consequence: missense variant.
Genome position (GRCh38, 1-based): chr12:132,660,996, G>C on the plus strand (C>G on the coding strand, the complement: POLE is on the minus strand). VCF-style: chr12-132660996-G-C. GRCh37 (hg19) VCF-style: chr12-133237582-G-C.
Other names: c.3033C>G (NM_006231.2); short protein forms D1011E.
Identifiers: ClinVar variation 855881 (VCV000855881.10), dbSNP rs1404218213, ClinGen allele CA387392241.